The following is an entry in ClinVar:

NM_052988.5(CDK10):c.485+7G>C

Gene: CDK10 (cyclin dependent kinase 10; plus strand). Cytogenetic location: 16q24.3.
Variant type: single nucleotide variant.
Coding change: c.485+7G>C on transcript NM_052988.5 (MANE Select); 7 bases into the intron after coding-DNA position 485, G replaced by C.
Molecular consequence: intron variant.
Genome position (GRCh38, 1-based): chr16:89,692,523, G>C. VCF-style: chr16-89692523-G-C. GRCh37 (hg19) VCF-style: chr16-89758931-G-C.
Other names: c.272+7G>C (NM_001160367.2, NM_052987.4, NM_001098533.3).
Identifiers: ClinVar variation 3052864 (VCV003052864.3), dbSNP rs199825493, ClinGen allele CA8247921.

ClinVar aggregate classification (germline): Likely benign. Review status: criteria provided, single submitter (1 of 4 stars). 2 submissions from 2 submitters: Likely benign (1). 1 of the submissions does not count toward it. Last evaluated 2024-11-22.

Conditions:
CDK10-related disorder. Also called: CDK10-related condition.

Allele frequency attached by ClinVar (database versions not stated): 1000 Genomes Project 30x 0.00016; 1000 Genomes Project 0.00020; ESP Exome Variant Server 0.00031.
gnomAD v4.1: 541 of 1,583,016 alleles (0.034%); highest among the groups gnomAD compares: Admixed American, 0.064%; 2 homozygotes.

Submissions (2):

Blueprint Genetics
Classification: Likely benign. Last evaluated: 2024-11-22. Review status: criteria provided, single submitter. Criteria: ACMG Guidelines, 2015. Collection method: clinical testing. Allele origin: germline.

PreventionGenetics, part of Exact Sciences
Classification: Likely benign for CDK10-related condition. Last evaluated: 2019-08-28. Review status: no assertion criteria provided. Collection method: clinical testing. Allele origin: germline. Not counted in ClinVar's aggregate classification.
Comment: This variant is classified as likely benign based on ACMG/AMP sequence variant interpretation guidelines (Richards et al. 2015 PMID: 25741868, with internal and published modifications).